The following is an entry in ClinVar:

NM_017514.5(PLXNA3):c.798C>T (p.Cys266=)

Gene: PLXNA3 (plexin A3; plus strand). Cytogenetic location: Xq28.
Variant type: single nucleotide variant.
Coding change: c.798C>T on transcript NM_017514.5 (MANE Select); coding-DNA position 798, C replaced by T.
Protein change: p.Cys266=; no amino-acid change (cysteine 266 retained).
Molecular consequence: synonymous variant.
Genome position (GRCh38, 1-based): chrX:154,461,302, C>T. VCF-style: chrX-154461302-C-T. GRCh37 (hg19) VCF-style: chrX-153689642-C-T.
Identifiers: ClinVar variation 3030615 (VCV003030615.2), dbSNP rs188710474, ClinGen allele CA10563815.

ClinVar aggregate classification (germline): Likely benign (0 of 4 stars; one submission).

Conditions:
PLXNA3-related disorder. Also called: PLXNA3-related condition.

Allele frequency attached by ClinVar (database versions not stated): gnomAD 0.00015; gnomAD exomes 0.00025; ExAC 0.00034; 1000 Genomes Project 30x 0.00042; 1000 Genomes Project 0.00053.
gnomAD v4.1: 293 of 1,211,519 alleles (0.024%); highest among the groups gnomAD compares: South Asian, 0.054%; no homozygotes.

Submission:

PreventionGenetics, part of Exact Sciences
Classification: Likely benign for PLXNA3-related condition. Last evaluated: 2021-05-26. Review status: no assertion criteria provided. Collection method: clinical testing. Allele origin: germline.
Comment: This variant is classified as likely benign based on ACMG/AMP sequence variant interpretation guidelines (Richards et al. 2015 PMID: 25741868, with internal and published modifications).